The following is an entry in ClinVar:

ClinVar aggregate classification (germline): Uncertain significance (1 of 4 stars; one submission).

Submission:

GeneDx
Classification: Uncertain significance. Last evaluated: 2022-01-24. Review status: criteria provided, single submitter. Criteria: GeneDx Variant Classification Process June 2021. Collection method: clinical testing. Allele origin: germline. Affected: yes.
Comment: Not observed at significant frequency in large population cohorts (gnomAD); In silico analysis supports that this missense variant has a deleterious effect on protein structure/function; Has not been previously published as pathogenic or benign to our knowledge

NM_005068.3(SIM1):c.362G>C (p.Gly121Ala)

Gene: SIM1 (SIM bHLH transcription factor 1; minus strand). Cytogenetic location: 6q16.3.
Variant type: single nucleotide variant.
Coding change: c.362G>C on transcript NM_005068.3 (MANE Select); coding-DNA position 362, G replaced by C.
Protein change: p.Gly121Ala; replaces glycine 121 with alanine.
Molecular consequence: missense variant.
Genome position (GRCh38, 1-based): chr6:100,449,686, C>G on the plus strand (G>C on the coding strand, the complement: SIM1 is on the minus strand). VCF-style: chr6-100449686-C-G. GRCh37 (hg19) VCF-style: chr6-100897562-C-G.
Other names: c.362G>C, p.Gly121Ala (NM_001374769.1); short protein forms G121A.
Identifiers: ClinVar variation 1698240 (VCV001698240.2), dbSNP rs2114542613, ClinGen allele CA365126918.